The following is an entry in ClinVar:

NM_001367624.2(ZNF469):c.9791A>C (p.Lys3264Thr)

Gene: ZNF469 (zinc finger protein 469; plus strand). Cytogenetic location: 16q24.2.
Variant type: single nucleotide variant.
Coding change: c.9791A>C on transcript NM_001367624.2 (MANE Select); coding-DNA position 9791, A replaced by C.
Protein change: p.Lys3264Thr; replaces lysine 3264 with threonine.
Molecular consequence: missense variant.
Genome position (GRCh38, 1-based): chr16:88,437,261, A>C. VCF-style: chr16-88437261-A-C. GRCh37 (hg19) VCF-style: chr16-88503669-A-C.
Other names: NM_001127464.1:c.9707A>C; short protein forms K3264T.
Identifiers: ClinVar variation 3390427 (VCV003390427.1).
Genomic context (GRCh38, chr16:88,437,261, plus strand): 5'-CCGCCGGCAAGGCCGCCGGGAGCCCGGGAGACCCGTGGGGGCAAGAGGGAGAAGCCAAGA[A>C]AGACAGCCCGGGCGAGAGGGCGAAACCCCGGGCACGCAGCACCCCCAGCAACCCAGACGG-3'
Protein context (NP_001354553.1, residues 3254-3274): DPWGQEGEAK[Lys3264Thr]DSPGERAKPR

ClinVar aggregate classification (germline): Uncertain significance (1 of 4 stars; one submission).

Submission:

GeneDx
Classification: Uncertain significance. Last evaluated: 2024-06-12. Review status: criteria provided, single submitter. Criteria: GeneDx Variant Classification Process June 2021. Collection method: clinical testing. Allele origin: germline. Affected: yes.
Comment: Not observed at significant frequency in large population cohorts (gnomAD); In silico analysis indicates that this missense variant does not alter protein structure/function; Has not been previously published as pathogenic or benign to our knowledge